The following is an entry in ClinVar:

ClinVar aggregate classification (germline): Uncertain significance. Review status: criteria provided, multiple submitters, no conflicts (2 of 4 stars). 2 submissions from 2 submitters: Uncertain significance (2). Last evaluated 2025-01-10.

Conditions:
FAM161A-related disorder. Also called: FAM161A-related condition.

gnomAD v4.1: 32 of 1,614,032 alleles (0.002%); highest among the groups gnomAD compares: African/African-American, 0.0067%; no homozygotes.

Submissions (2):

PreventionGenetics, part of Exact Sciences
Classification: Uncertain significance for FAM161A-related condition. Last evaluated: 2025-01-10. Review status: criteria provided, single submitter. Criteria: ACMG Guidelines, 2015. Collection method: clinical testing. Allele origin: germline.
Comment: The FAM161A c.1085G>A variant is predicted to result in the amino acid substitution p.Arg362Gln. To our knowledge, this variant has not been reported in the literature. This variant is present in 0.023% of alleles in individuals of African descent in gnomAD. At this time, the clinical significance of this variant is uncertain due to the absence of conclusive functional and genetic evidence.

Labcorp Genetics (formerly Invitae), Labcorp
Classification: Uncertain significance. Last evaluated: 2023-12-11. Review status: criteria provided, single submitter. Criteria: Invitae Variant Classification Sherloc (09022015). Collection method: clinical testing. Allele origin: germline.
Comment: This sequence change replaces arginine, which is basic and polar, with glutamine, which is neutral and polar, at codon 362 of the FAM161A protein (p.Arg362Gln). This variant is present in population databases (rs200813667, gnomAD 0.02%). This variant has not been reported in the literature in individuals affected with FAM161A-related conditions. ClinVar contains an entry for this variant (Variation ID: 2182926). Advanced modeling of protein sequence and biophysical properties (such as structural, functional, and spatial information, amino acid conservation, physicochemical variation, residue mobility, and thermodynamic stability) performed at Invitae indicates that this missense variant is not expected to disrupt FAM161A protein function with a negative predictive value of 80%. In summary, the available evidence is currently insufficient to determine the role of this variant in disease. Therefore, it has been classified as a Variant of Uncertain Significance.

NM_001201543.2(FAM161A):c.1085G>A (p.Arg362Gln)

Gene: FAM161A (FAM161 centrosomal protein A; minus strand). Cytogenetic location: 2p15.
Variant type: single nucleotide variant.
Coding change: c.1085G>A on transcript NM_001201543.2 (MANE Select); coding-DNA position 1085, G replaced by A.
Protein change: p.Arg362Gln; replaces arginine 362 with glutamine.
Molecular consequence: missense variant. On other transcripts: non-coding transcript variant (1).
Genome position (GRCh38, 1-based): chr2:61,839,919, C>T on the plus strand (G>A on the coding strand, the complement: FAM161A is on the minus strand). VCF-style: chr2-61839919-C-T. GRCh37 (hg19) VCF-style: chr2-62067054-C-T.
Other names: c.1085G>A, p.Arg362Gln (NM_032180.3); c.1085G>A (NM_001201543.1); short protein forms R362Q.
Identifiers: ClinVar variation 2182926 (VCV002182926.3), dbSNP rs200813667, ClinGen allele CA1679218.